The following is an entry in ClinVar:

NC_000002.11:g.(?_236403331)_(242801596_?)del

Genes: STK25 (serine/threonine kinase 25; minus strand), THAP4 (THAP domain containing 4; minus strand), PER2 (period circadian regulator 2; minus strand), PPP1R7 (protein phosphatase 1 regulatory subunit 7; plus strand), PRLH (prolactin releasing hormone; plus strand) and 56 more. Cytogenetic location: 2q37.2-37.3.
Variant type: Deletion.
Identifiers: ClinVar variation 2425085 (VCV002425085.6).

ClinVar aggregate classification (germline): Pathogenic (1 of 4 stars; one submission).

Conditions:
Bethlem myopathy 1A. Also called: Bethlem Muscular Dystrophy; MYOPATHY, BENIGN CONGENITAL, WITH CONTRACTURES; Bethlem myopathy 1. Identifiers: Orphanet 610, MedGen CN029274, MONDO:0024530, OMIM 158810.

Submission:

Labcorp Genetics (formerly Invitae), Labcorp
Classification: Pathogenic for Bethlem myopathy 1A. Last evaluated: 2022-10-15. Review status: criteria provided, single submitter. Criteria: Invitae Variant Classification Sherloc (09022015). Collection method: clinical testing. Allele origin: germline.
Comment: A gross deletion of the genomic region encompassing the full coding sequence of the COL6A3 gene has been identified. Loss-of-function variants in COL6A3 are known to be pathogenic (PMID: 26004199). The boundaries of this event are unknown as they extend beyond the assayed region for this gene and therefore may encompass additional genes. This variant has not been reported in the literature in individuals affected with COL6A3-related conditions. For these reasons, this variant has been classified as Pathogenic.

Literature cited by the submitters: PubMed 26004199.